The following is an entry in ClinVar:

NM_018344.6(SLC29A3):c.636C>T (p.Ser212=)

Gene: SLC29A3 (solute carrier family 29 member 3; plus strand). Cytogenetic location: 10q22.1.
Variant type: single nucleotide variant.
Coding change: c.636C>T on transcript NM_018344.6 (MANE Select); coding-DNA position 636, C replaced by T.
Protein change: p.Ser212=; no amino-acid change (serine 212 retained).
Molecular consequence: synonymous variant. On other transcripts: non-coding transcript variant (2).
Genome position (GRCh38, 1-based): chr10:71,356,106, C>T. VCF-style: chr10-71356106-C-T. GRCh37 (hg19) VCF-style: chr10-73115863-C-T.
Other names: c.636C>T, p.Ser212= (NM_001174098.2); c.402C>T, p.Ser134= (NM_001363518.2); c.636C>T (NM_018344.5).
Identifiers: ClinVar variation 1584131 (VCV001584131.9), dbSNP rs769787723, ClinGen allele CA5543006.
Genomic context (GRCh38, chr10:71,356,106, plus strand): 5'-CCTCACCATCTCTGCGTGTCCTCTGTTCTCTGCAGGAGGAGCCATGGGCGGGACGGTCAG[C>T]GCCGTGGCCTCATTGGTGGACTTGGCTGCATCCAGTGATGTGAGGAACAGCGCCCTGGCC-3'
Protein context (NP_060814.4, residues 202-222): ISGGAMGGTV[Ser212=]AVASLVDLAA

ClinVar aggregate classification (germline): Likely benign. Review status: criteria provided, multiple submitters, no conflicts (2 of 4 stars). 2 submissions from 2 submitters: Likely benign (2). Last evaluated 2025-09-09.

Conditions:
SLC29A3-related disorder. Also called: SLC29A3-related condition.
H syndrome. Also called: HISTIOCYTOSIS AND LYMPHADENOPATHY WITH OR WITHOUT CUTANEOUS, CARDIAC, AND/OR ENDOCRINE FEATURES, JOINT CONTRACTURES, AND/OR DEAFNESS; HYPERPIGMENTATION, CUTANEOUS, WITH HYPERTRICHOSIS, HEPATOSPLENOMEGALY, HEART ANOMALIES, AND HYPOGONADISM WITH OR WITHOUT HEARING LOSS; PIGMENTED HYPERTRICHOSIS WITH INSULIN-DEPENDENT DIABETES MELLITUS; ROSAI-DORFMAN DISEASE, FAMILIAL; SINUS HISTIOCYTOSIS AND MASSIVE LYMPHADENOPATHY; Hyperpigmentation, Cutaneous, with Hypertrichosis, Hepatosplenomegaly, Heart Anomalies, Hearing Loss, and Hypogonadism. Identifiers: Orphanet 168569, MedGen C1864445, MONDO:0011273, OMIM 602782.

Allele frequency attached by ClinVar (database versions not stated): gnomAD 0.00001; gnomAD exomes 0.00002 and 0.00004; TOPMed 0.00002; ExAC 0.00003.
gnomAD v4.1: 31 of 1,614,012 alleles (0.0019%); highest among the groups gnomAD compares: South Asian, 0.02%; no homozygotes.

Submissions (2):

PreventionGenetics, part of Exact Sciences
Classification: Likely benign for SLC29A3-related condition. Last evaluated: 2025-09-09. Review status: criteria provided, single submitter. Criteria: ACMG Guidelines, 2015. Collection method: clinical testing. Allele origin: germline.
Comment: This variant is classified as likely benign based on ACMG/AMP sequence variant interpretation guidelines (Richards et al. 2015 PMID: 25741868, with internal and published modifications).

Labcorp Genetics (formerly Invitae), Labcorp
Classification: Likely benign for H syndrome. Last evaluated: 2024-01-02. Review status: criteria provided, single submitter. Criteria: Invitae Variant Classification Sherloc (09022015). Collection method: clinical testing. Allele origin: germline.